The following is an entry in ClinVar:

NM_001942.4(DSG1):c.2565T>A (p.Asp855Glu)

Genes: DSG1 (desmoglein 1; plus strand), DSG1-AS1 (DSG1 antisense RNA 1; minus strand), LOC126862720 (MED14-independent group 3 enhancer GRCh37_chr18:28933613-28934812; plus strand). Cytogenetic location: 18q12.1.
Variant type: single nucleotide variant.
Coding change: c.2565T>A on transcript NM_001942.4 (MANE Select); coding-DNA position 2565, T replaced by A.
Protein change: p.Asp855Glu; replaces aspartic acid 855 with glutamic acid.
Molecular consequence: missense variant.
Genome position (GRCh38, 1-based): chr18:31,354,761, T>A. VCF-style: chr18-31354761-T-A. GRCh37 (hg19) VCF-style: chr18-28934724-T-A.
Other names: short protein forms D855E.
Identifiers: ClinVar variation 3659673 (VCV003659673.2).

ClinVar aggregate classification (germline): Uncertain significance (1 of 4 stars; one submission).

gnomAD v4.1: 2 of 1,614,162 alleles (0.00012%); highest among the groups gnomAD compares: East Asian, 0.0045%; no homozygotes.

Submission:

Labcorp Genetics (formerly Invitae), Labcorp
Classification: Uncertain significance. Last evaluated: 2024-07-16. Review status: criteria provided, single submitter. Criteria: Invitae Variant Classification Sherloc (09022015). Collection method: clinical testing. Allele origin: germline.
Comment: This sequence change replaces aspartic acid, which is acidic and polar, with glutamic acid, which is acidic and polar, at codon 855 of the DSG1 protein (p.Asp855Glu). This variant is present in population databases (no rsID available, gnomAD 0.01%). This variant has not been reported in the literature in individuals affected with DSG1-related conditions. An algorithm developed to predict the effect of missense changes on protein structure and function (PolyPhen-2) suggests that this variant is likely to be disruptive. In summary, the available evidence is currently insufficient to determine the role of this variant in disease. Therefore, it has been classified as a Variant of Uncertain Significance.